The following is an entry in ClinVar:

NM_001931.5(DLAT):c.563C>A (p.Thr188Asn)

Gene: DLAT (dihydrolipoamide S-acetyltransferase; plus strand). Cytogenetic location: 11q23.1.
Variant type: single nucleotide variant.
Coding change: c.563C>A on transcript NM_001931.5 (MANE Select); coding-DNA position 563, C replaced by A.
Protein change: p.Thr188Asn; replaces threonine 188 with asparagine.
Molecular consequence: missense variant. On other transcripts: non-coding transcript variant (1), intron variant (2).
Genome position (GRCh38, 1-based): chr11:112,028,848, C>A. VCF-style: chr11-112028848-C-A. GRCh37 (hg19) VCF-style: chr11-111899572-C-A.
Other names: c.563C>A, p.Thr188Asn (NM_001372031.1, NM_001372032.1, NM_001372033.1 and 3 more transcripts); c.530C>A, p.Thr177Asn (NM_001372034.1); c.437C>A, p.Thr146Asn (NM_001372036.1); c.395C>A, p.Thr132Asn (NM_001372037.1); c.101C>A, p.Thr34Asn (NM_001372042.1); c.381+2549C>A (NM_001372038.1); c.364+2566C>A (NM_001372040.1); short protein forms T177N, T34N, T132N, T188N, T146N.
Identifiers: ClinVar variation 2147473 (VCV002147473.1), dbSNP rs200488420, ClinGen allele CA382601475.

ClinVar aggregate classification (germline): Uncertain significance (1 of 4 stars; one submission).

Conditions:
Pyruvate dehydrogenase E2 deficiency (PDHDD). Also called: Dihydrolipoamide Acetyltransferase (E2) Deficiency; LACTIC ACIDEMIA DUE TO DEFECT OF E2 LIPOYL TRANSACETYLASE OF THE PYRUVATE DEHYDROGENASE COMPLEX. Identifiers: Orphanet 765, Orphanet 79244, MedGen C1855565, MONDO:0009502, OMIM 245348.

gnomAD v4.1: 1 of 1,614,164 alleles (0.000062%); no homozygotes.

Submission:

Labcorp Genetics (formerly Invitae), Labcorp
Classification: Uncertain significance for Pyruvate dehydrogenase E2 deficiency. Last evaluated: 2022-06-05. Review status: criteria provided, single submitter. Criteria: Invitae Variant Classification Sherloc (09022015). Collection method: clinical testing. Allele origin: germline.
Comment: This sequence change replaces threonine, which is neutral and polar, with asparagine, which is neutral and polar, at codon 188 of the DLAT protein (p.Thr188Asn). This variant is not present in population databases (gnomAD no frequency). This variant has not been reported in the literature in individuals affected with DLAT-related conditions. Advanced modeling of protein sequence and biophysical properties (such as structural, functional, and spatial information, amino acid conservation, physicochemical variation, residue mobility, and thermodynamic stability) performed at Invitae indicates that this missense variant is not expected to disrupt DLAT protein function. In summary, the available evidence is currently insufficient to determine the role of this variant in disease. Therefore, it has been classified as a Variant of Uncertain Significance.